The following is an entry in ClinVar:

ClinVar aggregate classification (germline): Uncertain significance. Review status: criteria provided, multiple submitters, no conflicts (2 of 4 stars). 2 submissions from 2 submitters: Uncertain significance (2). Last evaluated 2026-01-19.

Conditions:
Inborn genetic diseases. Identifiers: MedGen C0950123, MeSH D030342.

Submissions (2):

Labcorp Genetics (formerly Invitae), Labcorp
Classification: Uncertain significance. Last evaluated: 2026-01-19. Review status: criteria provided, single submitter. Criteria: Invitae Variant Classification Sherloc (09022015). Collection method: clinical testing. Allele origin: germline.
Comment: This sequence change replaces serine, which is neutral and polar, with leucine, which is neutral and non-polar, at codon 342 of the MBD4 protein (p.Ser342Leu). This variant is not present in population databases (gnomAD no frequency). This variant has not been reported in the literature in individuals affected with MBD4-related conditions. ClinVar contains an entry for this variant (Variation ID: 4104601). An algorithm developed to predict the effect of missense changes on protein structure and function (PolyPhen-2) suggests that this variant is likely to be tolerated. In summary, the available evidence is currently insufficient to determine the role of this variant in disease. Therefore, it has been classified as a Variant of Uncertain Significance.

Ambry Genetics
Classification: Uncertain significance for Inborn genetic diseases. Last evaluated: 2025-06-26. Review status: criteria provided, single submitter. Criteria: Ambry Variant Classification Scheme 2023. Collection method: clinical testing. Allele origin: germline.
Comment: The p.S342L variant (also known as c.1025C>T), located in coding exon 3 of the MBD4 gene, results from a C to T substitution at nucleotide position 1025. The serine at codon 342 is replaced by leucine, an amino acid with dissimilar properties. This amino acid position is conserved. In addition, this alteration is predicted to be tolerated by in silico analysis. Based on the available evidence, the clinical significance of this variant remains unclear.

NM_001276270.2(MBD4):c.1025C>T (p.Ser342Leu)

Gene: MBD4 (methyl-CpG binding domain 4, DNA glycosylase; minus strand). Cytogenetic location: 3q21.3.
Variant type: single nucleotide variant.
Coding change: c.1025C>T on transcript NM_001276270.2 (MANE Select); coding-DNA position 1025, C replaced by T.
Protein change: p.Ser342Leu; replaces serine 342 with leucine.
Molecular consequence: missense variant. On other transcripts: intron variant (1).
Genome position (GRCh38, 1-based): chr3:129,436,619, G>A on the plus strand (C>T on the coding strand, the complement: MBD4 is on the minus strand). VCF-style: chr3-129436619-G-A. GRCh37 (hg19) VCF-style: chr3-129155462-G-A.
Other names: c.1025C>T, p.Ser342Leu (NM_001276271.2, NM_001276272.2, NM_003925.3); c.247+1189C>T (NM_001276273.2); short protein forms S342L.
Identifiers: ClinVar variation 4104601 (VCV004104601.2).